The following is an entry in ClinVar:

ClinVar aggregate classification (germline): Uncertain significance. Review status: criteria provided, multiple submitters, no conflicts (2 of 4 stars). 2 submissions from 2 submitters: Uncertain significance (2). Last evaluated 2025-11-07.

Conditions:
Cornelia de Lange syndrome 1 (CDLS1). Also called: TYPUS DEGENERATIVUS AMSTELODAMENSIS; Brachmann de Lange syndrome; NIPBL-Related Cornelia de Lange Syndrome. Identifiers: Orphanet 199, MedGen C4551851, MONDO:0007387, OMIM 122470.
Inborn genetic diseases. Identifiers: MedGen C0950123, MeSH D030342.

gnomAD v4.1: 1 of 1,614,194 alleles (0.000062%); highest among the groups gnomAD compares: Non-Finnish European, 0.000085%; no homozygotes.

Submissions (2):

Ambry Genetics
Classification: Uncertain significance for Inborn genetic diseases. Last evaluated: 2025-11-07. Review status: criteria provided, single submitter. Criteria: Ambry Variant Classification Scheme 2023. Collection method: clinical testing. Allele origin: germline.

Labcorp Genetics (formerly Invitae), Labcorp
Classification: Uncertain significance for Cornelia de Lange syndrome 1. Last evaluated: 2023-02-14. Review status: criteria provided, single submitter. Criteria: Invitae Variant Classification Sherloc (09022015). Collection method: clinical testing. Allele origin: germline.
Comment: This sequence change replaces asparagine, which is neutral and polar, with histidine, which is basic and polar, at codon 2538 of the NIPBL protein (p.Asn2538His). This variant is not present in population databases (gnomAD no frequency). This variant has not been reported in the literature in individuals affected with NIPBL-related conditions. Advanced modeling of protein sequence and biophysical properties (such as structural, functional, and spatial information, amino acid conservation, physicochemical variation, residue mobility, and thermodynamic stability) has been performed at Invitae for this missense variant, however the output from this modeling did not meet the statistical confidence thresholds required to predict the impact of this variant on NIPBL protein function. In summary, the available evidence is currently insufficient to determine the role of this variant in disease. Therefore, it has been classified as a Variant of Uncertain Significance.

NM_133433.4(NIPBL):c.7612A>C (p.Asn2538His)

Gene: NIPBL (NIPBL cohesin loading factor; plus strand). Cytogenetic location: 5p13.2.
Variant type: single nucleotide variant.
Coding change: c.7612A>C on transcript NM_133433.4 (MANE Select); coding-DNA position 7612, A replaced by C.
Protein change: p.Asn2538His; replaces asparagine 2538 with histidine.
Molecular consequence: missense variant.
Genome position (GRCh38, 1-based): chr5:37,059,092, A>C. VCF-style: chr5-37059092-A-C. GRCh37 (hg19) VCF-style: chr5-37059194-A-C.
Other names: c.7612A>C (NM_133433.3); c.7612A>C, p.Asn2538His (NM_015384.5); short protein forms N2538H.
Identifiers: ClinVar variation 2778828 (VCV002778828.4), dbSNP rs778219424, ClinGen allele CA359516880.